The following is an entry in ClinVar:

NM_201253.3(CRB1):c.2839G>C (p.Glu947Gln)

Gene: CRB1 (crumbs cell polarity complex component 1; plus strand). Cytogenetic location: 1q31.3.
Variant type: single nucleotide variant.
Coding change: c.2839G>C on transcript NM_201253.3 (MANE Select); coding-DNA position 2839, G replaced by C.
Protein change: p.Glu947Gln; replaces glutamic acid 947 with glutamine.
Molecular consequence: missense variant. On other transcripts: non-coding transcript variant (2), intron variant (1).
Genome position (GRCh38, 1-based): chr1:197,429,611, G>C. VCF-style: chr1-197429611-G-C. GRCh37 (hg19) VCF-style: chr1-197398741-G-C.
Other names: c.2503G>C, p.Glu835Gln (NM_001193640.2); c.2767G>C, p.Glu923Gln (NM_001257965.2); c.2129-5989G>C (NM_001257966.2); short protein forms E835Q, E947Q, E923Q.
Identifiers: ClinVar variation 2008108 (VCV002008108.5), dbSNP rs574162883, ClinGen allele CA344041400.
Genomic context (GRCh38, chr1:197,429,611, plus strand): 5'-TGGTGTGGATTCAGCCCGTGTCCTCACGGAGCCCAGTGCCAGCCGGTGCTTCAAGGATTT[G>C]AATGTAGGTAGAGTTCAAACCTACCATCTCACCAGTTAAGTTGCGACATTTGAGTTGTTC-3'
Protein context (NP_957705.1, residues 937-957): AQCQPVLQGF[Glu947Gln]CIANAVFNGQ

ClinVar aggregate classification (germline): Uncertain significance. Review status: criteria provided, multiple submitters, no conflicts (2 of 4 stars). 2 submissions from 2 submitters: Uncertain significance (2). Last evaluated 2022-06-18.

Conditions:
Leber congenital amaurosis 8 (LCA8). Identifiers: Orphanet 65, MedGen C3151202, MONDO:0013453, OMIM 613835.
Retinitis pigmentosa 12 (RP12). Also called: RP WITH OR WITHOUT PRESERVED PARAARTERIOLE RETINAL PIGMENT EPITHELIUM; RETINITIS PIGMENTOSA WITH OR WITHOUT PARAARTERIOLAR PRESERVATION OF RETINAL PIGMENT EPITHELIUM; RP WITH OR WITHOUT PPRPE. Identifiers: Orphanet 791, MedGen C1838647, MONDO:0010818, OMIM 600105.

Submissions (2):

Labcorp Genetics (formerly Invitae), Labcorp
Classification: Uncertain significance for Leber congenital amaurosis 8; Retinitis pigmentosa 12. Last evaluated: 2022-06-18. Review status: criteria provided, single submitter. Criteria: Invitae Variant Classification Sherloc (09022015). Collection method: clinical testing. Allele origin: germline.
Comment: In summary, the available evidence is currently insufficient to determine the role of this variant in disease. Therefore, it has been classified as a Variant of Uncertain Significance. Algorithms developed to predict the effect of missense changes on protein structure and function (SIFT, PolyPhen-2, Align-GVGD) all suggest that this variant is likely to be disruptive. This variant has not been reported in the literature in individuals affected with CRB1-related conditions. This variant is not present in population databases (gnomAD no frequency). This sequence change replaces glutamic acid, which is acidic and polar, with glutamine, which is neutral and polar, at codon 947 of the CRB1 protein (p.Glu947Gln).

Blueprint Genetics
Classification: Uncertain significance. Last evaluated: 2022-02-09. Review status: criteria provided, single submitter. Criteria: ACMG Guidelines, 2015. Collection method: clinical testing. Allele origin: germline.